The following is an entry in ClinVar:

NM_005560.6(LAMA5):c.8111G>A (p.Gly2704Glu)

Gene: LAMA5 (laminin subunit alpha 5; minus strand). Cytogenetic location: 20q13.33.
Variant type: single nucleotide variant.
Coding change: c.8111G>A on transcript NM_005560.6 (MANE Select); coding-DNA position 8111, G replaced by A.
Protein change: p.Gly2704Glu; replaces glycine 2704 with glutamic acid.
Molecular consequence: missense variant.
Genome position (GRCh38, 1-based): chr20:62,314,884, C>T on the plus strand (G>A on the coding strand, the complement: LAMA5 is on the minus strand). VCF-style: chr20-62314884-C-T. GRCh37 (hg19) VCF-style: chr20-60889940-C-T.
Other names: short protein forms G2704E.
Identifiers: ClinVar variation 1942089 (VCV001942089.5), dbSNP rs1986776822, ClinGen allele CA409549095.

ClinVar aggregate classification (germline): Uncertain significance (1 of 4 stars; one submission).

Allele frequency attached by ClinVar (database versions not stated): TOPMed 0.00001.

Submission:

Labcorp Genetics (formerly Invitae), Labcorp
Classification: Uncertain significance. Last evaluated: 2022-04-02. Review status: criteria provided, single submitter. Criteria: Invitae Variant Classification Sherloc (09022015). Collection method: clinical testing. Allele origin: germline.
Comment: This sequence change replaces glycine, which is neutral and non-polar, with glutamic acid, which is acidic and polar, at codon 2704 of the LAMA5 protein (p.Gly2704Glu). In summary, the available evidence is currently insufficient to determine the role of this variant in disease. Therefore, it has been classified as a Variant of Uncertain Significance. Algorithms developed to predict the effect of missense changes on protein structure and function (SIFT, PolyPhen-2, Align-GVGD) all suggest that this variant is likely to be tolerated. This variant has not been reported in the literature in individuals affected with LAMA5-related conditions. This variant is not present in population databases (gnomAD no frequency).